The following is an entry in ClinVar:

ClinVar aggregate classification (germline): Uncertain significance (1 of 4 stars; one submission).

Conditions:
Multiple congenital anomalies-hypotonia-seizures syndrome 2 (MCAHS2). Also called: EPILEPTIC ENCEPHALOPATHY, EARLY INFANTILE, 20; GLYCOSYLPHOSPHATIDYLINOSITOL BIOSYNTHESIS DEFECT 4. Identifiers: Orphanet 300496, MedGen C3275508, MONDO:0010466, OMIM 300868.

Submission:

Labcorp Genetics (formerly Invitae), Labcorp
Classification: Uncertain significance for Multiple congenital anomalies-hypotonia-seizures syndrome 2. Last evaluated: 2025-07-02. Review status: criteria provided, single submitter. Criteria: Invitae Variant Classification Sherloc (09022015). Collection method: clinical testing. Allele origin: germline.
Comment: This sequence change replaces histidine, which is basic and polar, with glutamine, which is neutral and polar, at codon 419 of the PIGA protein (p.His419Gln). This variant is not present in population databases (gnomAD no frequency). This variant has not been reported in the literature in individuals affected with PIGA-related conditions. Invitae Evidence Modeling of protein sequence and biophysical properties (such as structural, functional, and spatial information, amino acid conservation, physicochemical variation, residue mobility, and thermodynamic stability) indicates that this missense variant is not expected to disrupt PIGA protein function with a negative predictive value of 95%. In summary, the available evidence is currently insufficient to determine the role of this variant in disease. Therefore, it has been classified as a Variant of Uncertain Significance.

NM_002641.4(PIGA):c.1257C>G (p.His419Gln)

Gene: PIGA (phosphatidylinositol glycan anchor biosynthesis class A; minus strand). Cytogenetic location: Xp22.2.
Variant type: single nucleotide variant.
Coding change: c.1257C>G on transcript NM_002641.4 (MANE Select); coding-DNA position 1257, C replaced by G.
Protein change: p.His419Gln; replaces histidine 419 with glutamine.
Molecular consequence: missense variant. On other transcripts: non-coding transcript variant (4).
Genome position (GRCh38, 1-based): chrX:15,321,704, G>C on the plus strand (C>G on the coding strand, the complement: PIGA is on the minus strand). VCF-style: chrX-15321704-G-C. GRCh37 (hg19) VCF-style: chrX-15339826-G-C.
Other names: c.1350C>G, p.His450Gln (NM_001440789.1); c.648C>G, p.His216Gln (NM_001440790.1); c.555C>G, p.His185Gln (NM_020473.3); short protein forms H419Q, H216Q, H450Q, H185Q.
Identifiers: ClinVar variation 4774582 (VCV004774582.1).
Genomic context (GRCh38, chrX:15,321,704, plus strand): 5'-GAGGAAGAGGAAGTTGAAAACTGCCAACAAAGCAAAGATGTAGCCTGTTACTGGGCCGCA[G>C]TGAGAAATAAGTCTGTCCAGTCGTTTGTCCATTGGCAACACAGCTTCCACTGATACCCGG-3'
Protein context (NP_002632.1, residues 409-429): MDKRLDRLIS[His419Gln]CGPVTGYIFA